The following is an entry in ClinVar:

ClinVar aggregate classification (germline): Pathogenic (1 of 4 stars; one submission).

Submission:

GeneDx
Classification: Pathogenic. Last evaluated: 2013-12-20. Review status: criteria provided, single submitter. Criteria: GeneDx Variant Classification (06012015). Collection method: clinical testing. Allele origin: germline. Affected: yes.
Comment: Although the c.2684_2685insCC variant in the KCNH2 gene has not been reported to our knowledge, this variant causes a shift in reading frame starting at codon Aspartic acid 896, changing it to an Arginine, and creating a premature stop codon at position 79 of the new reading frame, denoted p.Asp896ArgfsX79. This variant is expected to result in either an abnormal, truncated protein product or loss of protein from this allele through nonsense-mediated mRNA decay. Other frameshift variants in the KCNH2 gene have been reported in association with LQTS.In summary, c.2684_2685insCC in the KCNH2 gene is interpreted as a pathogenic variant.

NM_000238.4(KCNH2):c.2684_2685insCC (p.Asp896fs)

Gene: KCNH2 (potassium voltage-gated channel subfamily H member 2; minus strand). Cytogenetic location: 7q36.1.
Variant type: Insertion.
Coding change: c.2684_2685insCC on transcript NM_000238.4 (MANE Select); coding-DNA positions 2684 to 2685, CC inserted.
Protein change: p.Asp896fs; shifts the reading frame from aspartic acid 896.
Molecular consequence: frameshift variant.
Genome position: GRCh38 VCF-style: chr7-150948451-C-CGG. GRCh37 (hg19) VCF-style: chr7-150645539-C-CGG.
Other names: c.1664_1665insCC, p.Asp556fs (NM_172057.3); short protein forms D896fs, D556fs.
Identifiers: ClinVar variation 200656 (VCV000200656.2), dbSNP rs794728447, ClinGen allele CA007140.